The following is an entry in ClinVar:

ClinVar aggregate classification (germline): Uncertain significance. Review status: criteria provided, multiple submitters, no conflicts (2 of 4 stars). 3 submissions from 3 submitters: Uncertain significance (3). Last evaluated 2025-06-25.

Conditions:
Progressive myoclonic epilepsy. Also called: Myoclonic Epilepsies, Progressive; Myoclonus epilepsy; Progressive myoclonus epilepsy; Familial progressive myoclonic epilepsy. Identifiers: Orphanet 308, Orphanet 98261, MedGen C0751778, MONDO:0020074.

Allele frequency attached by ClinVar (database versions not stated): TOPMed 0.00005.
gnomAD v4.1: 37 of 1,547,222 alleles (0.0024%); highest among the groups gnomAD compares: Middle Eastern, 0.017%; no homozygotes.

Submissions (3):

GeneDx
Classification: Uncertain significance. Last evaluated: 2025-06-25. Review status: criteria provided, single submitter. Criteria: GeneDx Variant Classification Process June 2021. Collection method: clinical testing. Allele origin: germline.
Comment: Not observed at significant frequency in large population cohorts (gnomAD); In silico analysis suggests that this missense variant does not alter protein structure/function; Has not been previously published as pathogenic or benign to our knowledge

Blueprint Genetics
Classification: Uncertain significance. Last evaluated: 2024-11-20. Review status: criteria provided, single submitter. Criteria: ACMG Guidelines, 2015. Collection method: clinical testing. Allele origin: germline.

Labcorp Genetics (formerly Invitae), Labcorp
Classification: Uncertain significance for Progressive myoclonic epilepsy. Last evaluated: 2022-03-01. Review status: criteria provided, single submitter. Criteria: Invitae Variant Classification Sherloc (09022015). Collection method: clinical testing. Allele origin: germline.
Comment: This sequence change replaces proline, which is neutral and non-polar, with serine, which is neutral and polar, at codon 3 of the GOSR2 protein (p.Pro3Ser). This variant is present in population databases (no rsID available, gnomAD 0.004%). This variant has not been reported in the literature in individuals affected with GOSR2-related conditions. ClinVar contains an entry for this variant (Variation ID: 1036487). Algorithms developed to predict the effect of missense changes on protein structure and function (SIFT, PolyPhen-2, Align-GVGD) all suggest that this variant is likely to be tolerated. In summary, the available evidence is currently insufficient to determine the role of this variant in disease. Therefore, it has been classified as a Variant of Uncertain Significance.

NM_004287.5(GOSR2):c.7C>T (p.Pro3Ser)

Genes: GOSR2 (golgi SNAP receptor complex member 2; plus strand), LRRC37A2 (leucine rich repeat containing 37 member A2). Cytogenetic location: 17q21.32.
Variant type: single nucleotide variant.
Coding change: c.7C>T on transcript NM_004287.5 (MANE Select); coding-DNA position 7, C replaced by T.
Protein change: p.Pro3Ser; replaces proline 3 with serine.
Molecular consequence: missense variant. On other transcripts: 5 prime UTR variant (2), non-coding transcript variant (3).
Genome position (GRCh38, 1-based): chr17:46,923,199, C>T. VCF-style: chr17-46923199-C-T. GRCh37 (hg19) VCF-style: chr17-45000565-C-T.
Other names: c.7C>T, p.Pro3Ser (NM_001012511.3, NM_001321133.2, NM_001330252.2 and 4 more transcripts); c.-96C>T (NM_001321134.2); c.-459C>T (NM_001363851.2); c.7C>T (NM_004287.3); short protein forms P3S.
Identifiers: ClinVar variation 1036487 (VCV001036487.8), dbSNP rs12944167, ClinGen allele CA291190898.